The following is an entry in ClinVar:

ClinVar aggregate classification (germline): Pathogenic. Review status: criteria provided, multiple submitters, no conflicts (2 of 4 stars). 5 submissions from 5 submitters: Pathogenic (4). 1 of the submissions does not count toward it. Last evaluated 2025-11-18.

Conditions:
Thrombotic thrombocytopenic purpura. Also called: Moschowitz syndrome; Moschkowitz Disease. Identifiers: Orphanet 54057, MedGen C0034155, MONDO:0018896.
Upshaw-Schulman syndrome (TTP). Also called: THROMBOTIC THROMBOCYTOPENIC PURPURA, HEREDITARY; Congenital thrombotic thrombocytopenic purpura. Identifiers: Orphanet 93583, MedGen C1268935, MONDO:0010122, OMIM 274150.

Allele frequency attached by ClinVar (database versions not stated): gnomAD exomes 0.00001 and 0.00003; ExAC 0.00002; gnomAD 0.00003; TOPMed 0.00004; ESP Exome Variant Server 0.00008.

Submissions (5):

Women's Health and Genetics/Laboratory Corporation of America, LabCorp
Classification: Pathogenic for Thrombotic thrombocytopenic purpura. Last evaluated: 2025-11-18. Review status: criteria provided, single submitter. Criteria: LabCorp Variant Classification Summary - May 2015. Collection method: clinical testing. Allele origin: germline.
Comment: Variant summary: ADAMTS13 c.587C>T (p.Thr196Ile) results in a non-conservative amino acid change in the encoded protein sequence. Algorithms developed to predict the effect of missense changes on protein structure and function all suggest that this variant is likely to be disruptive. The variant allele was found at a frequency of 8e-06 in 250640 control chromosomes. c.587C>T has been observed in compound heterozygous and homozygous individuals affected with Thrombotic Thrombocytopenic Purpura (Levy_2001, Camilleri_2012, Hassenpflug_2018). These data indicate that the variant is likely to be associated with disease. At least one publication reports experimental evidence evaluating an impact on protein function. The most pronounced variant effect results in <4% of protein secretion compared to that of the wild type (Camilleri_2012). The following publications have been ascertained in the context of this evaluation (PMID: 22783805, 29554699, 11586351). ClinVar contains an entry for this variant (Variation ID: 5801). Based on the evidence outlined above, the variant was classified as pathogenic.

Labcorp Genetics (formerly Invitae), Labcorp
Classification: Pathogenic. Last evaluated: 2025-05-28. Review status: criteria provided, single submitter. Criteria: Invitae Variant Classification Sherloc (09022015). Collection method: clinical testing. Allele origin: germline.
Comment: This sequence change replaces threonine, which is neutral and polar, with isoleucine, which is neutral and non-polar, at codon 196 of the ADAMTS13 protein (p.Thr196Ile). This variant is present in population databases (rs121908470, gnomAD 0.004%). This missense change has been observed in individual(s) with thrombotic thrombocytopenic purpura (PMID: 11586351, 14512317, 22783805, 29554699). In at least one individual the data is consistent with being in trans (on the opposite chromosome) from a pathogenic variant. ClinVar contains an entry for this variant (Variation ID: 5801). Invitae Evidence Modeling of protein sequence and biophysical properties (such as structural, functional, and spatial information, amino acid conservation, physicochemical variation, residue mobility, and thermodynamic stability) indicates that this missense variant is expected to disrupt ADAMTS13 protein function with a positive predictive value of 80%. Experimental studies have shown that this missense change affects ADAMTS13 function (PMID: 22783805). For these reasons, this variant has been classified as Pathogenic.

Mayo Clinic Laboratories, Mayo Clinic
Classification: Pathogenic. Last evaluated: 2024-10-28. Review status: criteria provided, single submitter. Criteria: ACMG Guidelines, 2015. Collection method: clinical testing. Allele origin: germline. Observed: 2 variant alleles.
Comment: PP3, PM1_supporting, PM3, PS3, PS4_moderate

Fulgent Genetics
Classification: Pathogenic for Upshaw-Schulman syndrome. Last evaluated: 2024-03-20. Review status: criteria provided, single submitter. Criteria: ACMG Guidelines, 2015. Collection method: clinical testing. Allele origin: germline.

OMIM
Classification: Pathogenic for THROMBOTIC THROMBOCYTOPENIC PURPURA, HEREDITARY. Last evaluated: 2004-01-15. Review status: no assertion criteria provided. Collection method: literature only. Allele origin: germline. Not counted in ClinVar's aggregate classification.

Literature cited by the submitters: PubMed 29554699 (cited by 3 submitters); PubMed 11586351 (cited by 4 submitters); PubMed 22783805 (cited by 3 submitters); PubMed 14512317 (cited by 3 submitters); PubMed 16807643 (cited by Mayo Clinic Laboratories, Mayo Clinic); PubMed 21937160 (cited by Mayo Clinic Laboratories, Mayo Clinic); PubMed 23346910 (cited by Mayo Clinic Laboratories, Mayo Clinic); PubMed 34789164 (cited by Mayo Clinic Laboratories, Mayo Clinic); PubMed 36281781 (cited by Mayo Clinic Laboratories, Mayo Clinic).

NM_139027.6(ADAMTS13):c.587C>T (p.Thr196Ile)

Gene: ADAMTS13 (ADAM metallopeptidase with thrombospondin type 1 motif 13; plus strand). Cytogenetic location: 9q34.2.
Variant type: single nucleotide variant.
Coding change: c.587C>T on transcript NM_139027.6 (MANE Select); coding-DNA position 587, C replaced by T.
Protein change: p.Thr196Ile; replaces threonine 196 with isoleucine.
Molecular consequence: missense variant. On other transcripts: non-coding transcript variant (1).
Genome position (GRCh38, 1-based): chr9:133,426,246, C>T. VCF-style: chr9-133426246-C-T. GRCh37 (hg19) VCF-style: chr9-136291366-C-T.
Other names: c.587C>T, p.Thr196Ile (NM_139025.5, NM_139026.6); short protein forms T196I.
Identifiers: ClinVar variation 5801 (VCV000005801.16), dbSNP rs121908470, ClinGen allele CA117748.